The following is an entry in ClinVar:

ClinVar aggregate classification (germline): Uncertain significance (1 of 4 stars; one submission).

Conditions:
Retinoblastoma (RB1). Also called: RETINOBLASTOMA, SOMATIC. Identifiers: Orphanet 790, MedGen C0035335, MeSH D012175, MONDO:0008380, OMIM 180200, HP:0009919. Disease mechanism: loss of function. Inheritance: Both sporadic and heritable forms are tested..

Submission:

Labcorp Genetics (formerly Invitae), Labcorp
Classification: Uncertain significance for Retinoblastoma. Last evaluated: 2022-02-19. Review status: criteria provided, single submitter. Criteria: Invitae Variant Classification Sherloc (09022015). Collection method: clinical testing. Allele origin: germline.
Comment: In summary, the available evidence is currently insufficient to determine the role of this variant in disease. Therefore, it has been classified as a Variant of Uncertain Significance. Algorithms developed to predict the effect of missense changes on protein structure and function (SIFT, PolyPhen-2, Align-GVGD) all suggest that this variant is likely to be disruptive. This variant has not been reported in the literature in individuals affected with RB1-related conditions. This variant is not present in population databases (gnomAD no frequency). This sequence change replaces threonine, which is neutral and polar, with alanine, which is neutral and non-polar, at codon 118 of the RB1 protein (p.Thr118Ala).

NM_000321.3(RB1):c.352A>G (p.Thr118Ala)

Gene: RB1 (RB transcriptional corepressor 1; plus strand). Cytogenetic location: 13q14.2.
Variant type: single nucleotide variant.
Coding change: c.352A>G on transcript NM_000321.3 (MANE Select); coding-DNA position 352, A replaced by G.
Protein change: p.Thr118Ala; replaces threonine 118 with alanine.
Molecular consequence: missense variant.
Genome position (GRCh38, 1-based): chr13:48,342,686, A>G. VCF-style: chr13-48342686-A-G. GRCh37 (hg19) VCF-style: chr13-48916822-A-G.
Other names: c.352A>G, p.Thr118Ala (NM_001407165.1, NM_001407166.1); short protein forms T118A.
Identifiers: ClinVar variation 2099214 (VCV002099214.4), dbSNP rs1429553692, ClinGen allele CA388252510.